The following is an entry in ClinVar:

NM_032383.5(HPS3):c.121G>A (p.Val41Met)

Gene: HPS3 (HPS3 biogenesis of lysosomal organelles complex 2 subunit 1; plus strand). Cytogenetic location: 3q24.
Variant type: single nucleotide variant.
Coding change: c.121G>A on transcript NM_032383.5 (MANE Select); coding-DNA position 121, G replaced by A.
Protein change: p.Val41Met; replaces valine 41 with methionine.
Molecular consequence: missense variant.
Genome position (GRCh38, 1-based): chr3:149,129,844, G>A. VCF-style: chr3-149129844-G-A. GRCh37 (hg19) VCF-style: chr3-148847631-G-A.
Other names: c.121G>A, p.Val41Met (NM_001308258.2); short protein forms V41M.
Identifiers: ClinVar variation 2682521 (VCV002682521.1), dbSNP rs2473045241, ClinGen allele CA354906551.

ClinVar aggregate classification (germline): Uncertain significance (1 of 4 stars; one submission).

Submission:

Women's Health and Genetics/Laboratory Corporation of America, LabCorp
Classification: Uncertain significance. Last evaluated: 2023-11-14. Review status: criteria provided, single submitter. Criteria: LabCorp Variant Classification Summary - May 2015. Collection method: clinical testing. Allele origin: germline.
Comment: Variant summary: HPS3 c.121G>A (p.Val41Met) results in a conservative amino acid change located in the BLOC-2 complex member HPS3, N-terminal domain (IPR029437) of the encoded protein sequence. Three of five in-silico tools predict a damaging effect of the variant on protein function. The variant was absent in 224118 control chromosomes. The available data on variant occurrences in the general population are insufficient to allow any conclusion about variant significance. To our knowledge, no occurrence of c.121G>A in individuals affected with Hermansky-Pudlak Syndrome and no experimental evidence demonstrating its impact on protein function have been reported. No submitters have cited clinical-significance assessments for this variant to ClinVar after 2014. Based on the evidence outlined above, the variant was classified as uncertain significance.